The following is an entry in ClinVar:

NM_000070.3(CAPN3):c.369A>G (p.Gln123=)

Gene: CAPN3 (calpain 3; plus strand). Cytogenetic location: 15q15.1.
Variant type: single nucleotide variant.
Coding change: c.369A>G on transcript NM_000070.3 (MANE Select); coding-DNA position 369, A replaced by G.
Protein change: p.Gln123=; no amino-acid change (glutamine 123 retained).
Molecular consequence: synonymous variant.
Genome position (GRCh38, 1-based): chr15:42,384,542, A>G. VCF-style: chr15-42384542-A-G. GRCh37 (hg19) VCF-style: chr15-42676740-A-G.
Other names: c.369A>G (NM_000070.2); c.369A>G, p.Gln123= (NM_024344.2, NM_173087.2).
Identifiers: ClinVar variation 1622073 (VCV001622073.9), dbSNP rs774155921, ClinGen allele CA7510926.

ClinVar aggregate classification (germline): Likely benign. Review status: criteria provided, multiple submitters, no conflicts (2 of 4 stars). 2 submissions from 2 submitters: Likely benign (2). Last evaluated 2025-09-08.

Conditions:
Autosomal recessive limb-girdle muscular dystrophy type 2A (LGMDR1). Also called: Limb-girdle muscular dystrophy, type 2A; Calpainopathy; Muscular dystrophy, limb-girdle, type 2A, Amish; LEYDEN-MOEBIUS MUSCULAR DYSTROPHY; MUSCULAR DYSTROPHY, PELVOFEMORAL. Identifiers: Orphanet 267, MedGen C1869123, MONDO:0009675, OMIM 253600. Disease mechanism: loss of function.

Allele frequency attached by ClinVar (database versions not stated): gnomAD 0.00001; TOPMed 0.00005; ExAC 0.00007; gnomAD exomes 0.00010.
gnomAD v4.1: 26 of 1,613,040 alleles (0.0016%); highest among the groups gnomAD compares: Admixed American, 0.042%; no homozygotes.

Submissions (2):

Athena Diagnostics
Classification: Likely benign. Last evaluated: 2025-09-08. Review status: criteria provided, single submitter. Criteria: Athena Diagnostics Criteria. Collection method: clinical testing. Allele origin: unknown.
Comment: The frequency of this variant in the general population is higher than would generally be expected for pathogenic variants in this gene. Computational tools yielded predictions that this variant is unlikely to have an effect on normal RNA splicing.

Labcorp Genetics (formerly Invitae), Labcorp
Classification: Likely benign for Autosomal recessive limb-girdle muscular dystrophy type 2A. Last evaluated: 2025-03-25. Review status: criteria provided, single submitter. Criteria: Invitae Variant Classification Sherloc (09022015). Collection method: clinical testing. Allele origin: germline.